The following is an entry in ClinVar:

NM_177438.3(DICER1):c.2386G>C (p.Glu796Gln)

Gene: DICER1 (dicer 1, ribonuclease III; minus strand). Cytogenetic location: 14q32.13.
Variant type: single nucleotide variant.
Coding change: c.2386G>C on transcript NM_177438.3 (MANE Select); coding-DNA position 2386, G replaced by C.
Protein change: p.Glu796Gln; replaces glutamic acid 796 with glutamine.
Molecular consequence: missense variant. On other transcripts: non-coding transcript variant (6).
Genome position (GRCh38, 1-based): chr14:95,108,374, C>G on the plus strand (G>C on the coding strand, the complement: DICER1 is on the minus strand). VCF-style: chr14-95108374-C-G. GRCh37 (hg19) VCF-style: chr14-95574711-C-G.
Other names: c.2386G>C, p.Glu796Gln (NM_001195573.1, NM_001271282.3, NM_001291628.2 and 12 more transcripts); c.2104G>C, p.Glu702Gln (NM_001395686.1); c.1981G>C, p.Glu661Gln (NM_001395687.1, NM_001395688.1, NM_001395689.1 and 2 more transcripts); c.1819G>C, p.Glu607Gln (NM_001395691.1); c.703G>C, p.Glu235Gln (NM_001395697.1); short protein forms E702Q, E607Q, E661Q, E796Q, E235Q.
Identifiers: ClinVar variation 4011623 (VCV004011623.1).

ClinVar aggregate classification (germline): Uncertain significance (1 of 4 stars; one submission).

Conditions:
Hereditary cancer-predisposing syndrome. Also called: Tumor predisposition; Hereditary neoplastic syndrome; Neoplastic Syndromes, Hereditary; Hereditary Cancer Syndrome. Identifiers: Orphanet 140162, MedGen C0027672, MeSH D009386, MONDO:0015356.

Submission:

Ambry Genetics
Classification: Uncertain significance for Hereditary cancer-predisposing syndrome. Last evaluated: 2025-04-09. Review status: criteria provided, single submitter. Criteria: Ambry Variant Classification Scheme 2023. Collection method: clinical testing. Allele origin: germline.
Comment: The p.E796Q variant (also known as c.2386G>C), located in coding exon 14 of the DICER1 gene, results from a G to C substitution at nucleotide position 2386. The glutamic acid at codon 796 is replaced by glutamine, an amino acid with highly similar properties. This amino acid position is conserved. In addition, the in silico prediction for this alteration is inconclusive. Based on the available evidence, the clinical significance of this variant remains unclear.